The following is an entry in ClinVar:

NM_001130823.3(DNMT1):c.2554T>G (p.Tyr852Asp)

Gene: DNMT1 (DNA methyltransferase 1; minus strand). Cytogenetic location: 19p13.2.
Variant type: single nucleotide variant.
Coding change: c.2554T>G on transcript NM_001130823.3 (MANE Select); coding-DNA position 2554, T replaced by G.
Protein change: p.Tyr852Asp; replaces tyrosine 852 with aspartic acid.
Molecular consequence: missense variant.
Genome position (GRCh38, 1-based): chr19:10,149,485, A>C on the plus strand (T>G on the coding strand, the complement: DNMT1 is on the minus strand). VCF-style: chr19-10149485-A-C. GRCh37 (hg19) VCF-style: chr19-10260161-A-C.
Other names: c.2506T>G, p.Tyr836Asp (NM_001318730.2, NM_001379.4); c.2191T>G, p.Tyr731Asp (NM_001318731.2); short protein forms Y731D, Y836D, Y852D.
Identifiers: ClinVar variation 1374269 (VCV001374269.6), dbSNP rs2145293723, ClinGen allele CA403928609.

ClinVar aggregate classification (germline): Uncertain significance (1 of 4 stars; one submission).

Conditions:
Hereditary sensory neuropathy-deafness-dementia syndrome. Also called: Hereditary Sensory and Autonomic Neuropathy Type 1E (HSAN1E); Hereditary sensory neuropathy type IE; NEUROPATHY, HEREDITARY SENSORY, WITH HEARING LOSS AND DEMENTIA; HSN IE. Identifiers: Orphanet 456318, MedGen C3279885, MONDO:0013584, OMIM 614116.

gnomAD v4.1: 1 of 1,614,156 alleles (0.000062%); no homozygotes.

Submission:

Labcorp Genetics (formerly Invitae), Labcorp
Classification: Uncertain significance for Hereditary sensory neuropathy-deafness-dementia syndrome. Last evaluated: 2021-08-11. Review status: criteria provided, single submitter. Criteria: Invitae Variant Classification Sherloc (09022015). Collection method: clinical testing. Allele origin: germline.
Comment: This sequence change replaces tyrosine with aspartic acid at codon 852 of the DNMT1 protein (p.Tyr852Asp). The tyrosine residue is highly conserved and there is a large physicochemical difference between tyrosine and aspartic acid. This variant is not present in population databases (ExAC no frequency). This variant has not been reported in the literature in individuals affected with DNMT1-related conditions. Algorithms developed to predict the effect of missense changes on protein structure and function are either unavailable or do not agree on the potential impact of this missense change (SIFT: "Deleterious"; PolyPhen-2: "Possibly Damaging"; Align-GVGD: "Class C0"). In summary, the available evidence is currently insufficient to determine the role of this variant in disease. Therefore, it has been classified as a Variant of Uncertain Significance.